The following is an entry in ClinVar:

ClinVar aggregate classification (germline): Uncertain significance. Review status: criteria provided, multiple submitters, no conflicts (2 of 4 stars). 2 submissions from 2 submitters: Uncertain significance (2). Last evaluated 2023-12-04.

Conditions:
Hereditary cancer-predisposing syndrome. Also called: Neoplastic Syndromes, Hereditary; Tumor predisposition; Hereditary neoplastic syndrome; Hereditary Cancer Syndrome. Identifiers: Orphanet 140162, MedGen C0027672, MeSH D009386, MONDO:0015356.

Submissions (2):

Color Diagnostics, LLC DBA Color Health
Classification: Uncertain significance for Hereditary cancer-predisposing syndrome. Last evaluated: 2023-12-04. Review status: criteria provided, single submitter. Criteria: ACMG Guidelines, 2015. Collection method: clinical testing. Allele origin: germline.
Comment: This missense variant replaces glutamine with histidine at codon 2945 of the BRCA2 protein. Computational prediction suggests that this variant may not impact protein structure and function (internally defined REVEL score threshold <= 0.5, PMID: 27666373). To our knowledge, functional studies have not been reported for this variant. This variant has not been reported in individuals affected with BRCA2-related disorders in the literature. This variant has not been identified in the general population by the Genome Aggregation Database (gnomAD). The available evidence is insufficient to determine the role of this variant in disease conclusively. Therefore, this variant is classified as a Variant of Uncertain Significance.

ARUP Laboratories, Molecular Genetics and Genomics, ARUP Laboratories
Classification: Uncertain significance. Last evaluated: 2020-04-30. Review status: criteria provided, single submitter. Criteria: ARUP Molecular Germline Variant Investigation Process. Collection method: clinical testing. Allele origin: germline.

NM_000059.4(BRCA2):c.8835G>C (p.Gln2945His)

Gene: BRCA2 (BRCA2 DNA repair associated; plus strand). Cytogenetic location: 13q13.1.
Variant type: single nucleotide variant.
Coding change: c.8835G>C on transcript NM_000059.4 (MANE Select); coding-DNA position 8835, G replaced by C.
Protein change: p.Gln2945His; replaces glutamine 2945 with histidine.
Molecular consequence: missense variant.
Genome position (GRCh38, 1-based): chr13:32,379,397, G>C. VCF-style: chr13-32379397-G-C. GRCh37 (hg19) VCF-style: chr13-32953534-G-C.
Other names: short protein forms Q2945H.
Identifiers: ClinVar variation 628676 (VCV000628676.13), dbSNP rs1566252630, ClinGen allele CA387756192.
Genomic context (GRCh38, chr13:32,379,397, plus strand): 5'-GTTAAGAGCCTTGAATAATCACAGGCAAATGTTGAATGATAAGAAACAAGCTCAGATCCA[G>C]TTGGAAATTAGGAAGGCCATGGAATCTGCTGAACAAAAGGAACAAGGTTTATCAAGGGAT-3'
Protein context (NP_000050.3, residues 2935-2955): MLNDKKQAQI[Gln2945His]LEIRKAMESA